The following is an entry in ClinVar:

NM_001080467.3(MYO5B):c.*2293T>G

Genes: SNHG22 (small nucleolar RNA host gene 22; plus strand), MYO5B (myosin VB; minus strand). Cytogenetic location: 18q21.1.
Variant type: single nucleotide variant.
Coding change: c.*2293T>G on transcript NM_001080467.3 (MANE Select); 2293 bases downstream of the stop codon, T replaced by G.
Molecular consequence: 3 prime UTR variant.
Genome position (GRCh38, 1-based): chr18:49,824,178, A>C on the plus strand (T>G on the coding strand, the complement: MYO5B is on the minus strand). VCF-style: chr18-49824178-A-C. GRCh37 (hg19) VCF-style: chr18-47350548-A-C.
Identifiers: ClinVar variation 326946 (VCV000326946.5), dbSNP rs57818618, ClinGen allele CA10650891.

ClinVar aggregate classification (germline): Benign (1 of 4 stars; one submission).

Conditions:
Congenital microvillous atrophy (DIAR2). Also called: DAVIDSON DISEASE; MICROVILLUS ATROPHY, CONGENITAL; Microvillus inclusion disease; Diarrhea 2 with microvillus atrophy, with or without cholestasis; CONGENITAL FAMILIAL PROTRACTED DIARRHEA WITH ENTEROCYTE BRUSH-BORDER ABNORMALITIES. Identifiers: Orphanet 2290, MedGen C0341306, MONDO:0009635, OMIM 251850.

Allele frequency attached by ClinVar (database versions not stated): gnomAD 0.00156 and 0.00459; 1000 Genomes Project 30x 0.03092; 1000 Genomes Project 0.03375.

Submission:

Illumina Laboratory Services, Illumina
Classification: Benign for Congenital microvillous atrophy. Last evaluated: 2018-01-13. Review status: criteria provided, single submitter. Criteria: ICSL Variant Classification Criteria 13 December 2019. Collection method: clinical testing. Allele origin: germline.
Comment: This variant was observed in the ICSL laboratory as part of a predisposition screen in an ostensibly healthy population. It had not been previously curated by ICSL or reported in the Human Gene Mutation Database (HGMD: prior to June 1st, 2018), and was therefore a candidate for classification through an automated scoring system. Utilizing variant allele frequency, disease prevalence and penetrance estimates, and inheritance mode, an automated score was calculated to assess if this variant is too frequent to cause the disease. Based on the score and internal cut-off values, a variant classified as benign is not then subjected to further curation. The score for this variant resulted in a classification of benign for this disease.